The following is an entry in ClinVar:

ClinVar aggregate classification (germline): Uncertain significance. Review status: criteria provided, multiple submitters, no conflicts (2 of 4 stars). 5 submissions from 5 submitters: Uncertain significance (5). Last evaluated 2024-11-06.

Conditions:
Familial thoracic aortic aneurysm and aortic dissection (TAAD). Also called: Thoracic aortic aneurysms and dissections. Identifiers: Orphanet 91387, MedGen C4707243, MONDO:0019625.
Aortic aneurysm, familial thoracic 7 (AAT7). Also called: AORTIC DISSECTION, FAMILIAL, WITH OR WITHOUT AORTIC ANEURYSM. Identifiers: MedGen C3151077, MONDO:0013418, OMIM 613780.
Megacystis-microcolon-intestinal hypoperistalsis syndrome 1. Identifiers: MedGen C5542316, MONDO:0100354, OMIM 249210.

Allele frequency attached by ClinVar (database versions not stated): gnomAD 0.00001; TOPMed 0.00002; gnomAD exomes 0.00003 and 0.00004; ExAC 0.00004.
gnomAD v4.1: 60 of 1,614,068 alleles (0.0037%); highest among the groups gnomAD compares: East Asian, 0.0045%; no homozygotes.

Submissions (5):

ARUP Laboratories, Molecular Genetics and Genomics, ARUP Laboratories
Classification: Uncertain significance. Last evaluated: 2024-11-06. Review status: criteria provided, single submitter. Criteria: ARUP Molecular Germline Variant Investigation Process 2024. Collection method: clinical testing. Allele origin: germline.
Comment: The MYLK c.4214G>A; p.Arg1405His variant (rs745547260), to our knowledge, is not reported in the medical literature but is reported in ClinVar (Variation ID: 1212393). This variant is found in the general population with an overall allele frequency of 0.003% (8/251,370 alleles) in the Genome Aggregation Database (v2.1.1). Computational analyses are uncertain whether this variant is neutral or deleterious (REVEL: 0.453). Due to limited information, the clinical significance of this variant is uncertain at this time.

Labcorp Genetics (formerly Invitae), Labcorp
Classification: Uncertain significance for Aortic aneurysm, familial thoracic 7. Last evaluated: 2024-01-16. Review status: criteria provided, single submitter. Criteria: Invitae Variant Classification Sherloc (09022015). Collection method: clinical testing. Allele origin: germline.
Comment: This sequence change replaces arginine, which is basic and polar, with histidine, which is basic and polar, at codon 1405 of the MYLK protein (p.Arg1405His). This variant is present in population databases (rs745547260, gnomAD 0.01%). This variant has not been reported in the literature in individuals affected with MYLK-related conditions. ClinVar contains an entry for this variant (Variation ID: 1212393). Advanced modeling of protein sequence and biophysical properties (such as structural, functional, and spatial information, amino acid conservation, physicochemical variation, residue mobility, and thermodynamic stability) performed at Invitae indicates that this missense variant is not expected to disrupt MYLK protein function with a negative predictive value of 80%. In summary, the available evidence is currently insufficient to determine the role of this variant in disease. Therefore, it has been classified as a Variant of Uncertain Significance.

Ambry Genetics
Classification: Uncertain significance for Familial thoracic aortic aneurysm and aortic dissection. Last evaluated: 2022-04-04. Review status: criteria provided, single submitter. Criteria: Ambry Variant Classification Scheme 2023. Collection method: clinical testing. Allele origin: germline.
Comment: The p.R1405H variant (also known as c.4214G>A), located in coding exon 21 of the MYLK gene, results from a G to A substitution at nucleotide position 4214. The arginine at codon 1405 is replaced by histidine, an amino acid with highly similar properties. This amino acid position is conserved. In addition, the in silico prediction for this alteration is inconclusive. Since supporting evidence is limited at this time, the clinical significance of this alteration remains unclear.

Fulgent Genetics
Classification: Uncertain significance for Megacystis-microcolon-intestinal hypoperistalsis syndrome 1; Aortic aneurysm, familial thoracic 7. Last evaluated: 2021-08-04. Review status: criteria provided, single submitter. Criteria: ACMG Guidelines, 2015. Collection method: clinical testing. Allele origin: unknown.

GeneDx
Classification: Uncertain significance. Last evaluated: 2020-11-18. Review status: criteria provided, single submitter. Criteria: GeneDx Variant Classification Process June 2021. Collection method: clinical testing. Allele origin: germline. Affected: yes.
Comment: Has not been previously published as pathogenic or benign to our knowledge; In silico analysis supports that this missense variant has a deleterious effect on protein structure/function

NM_053025.4(MYLK):c.4214G>A (p.Arg1405His)

Gene: MYLK (myosin light chain kinase; minus strand). Cytogenetic location: 3q21.1.
Variant type: single nucleotide variant.
Coding change: c.4214G>A on transcript NM_053025.4 (MANE Select); coding-DNA position 4214, G replaced by A.
Protein change: p.Arg1405His; replaces arginine 1405 with histidine.
Molecular consequence: missense variant.
Genome position (GRCh38, 1-based): chr3:123,657,200, C>T on the plus strand (G>A on the coding strand, the complement: MYLK is on the minus strand). VCF-style: chr3-123657200-C-T. GRCh37 (hg19) VCF-style: chr3-123376047-C-T.
Other names: c.3686G>A, p.Arg1229His (NM_001321309.2); c.4007G>A, p.Arg1336His (NM_053026.4, NM_053028.4); c.4214G>A, p.Arg1405His (NM_053027.4); short protein forms R1229H, R1336H, R1405H.
Identifiers: ClinVar variation 1212393 (VCV001212393.13), dbSNP rs745547260, ClinGen allele CA071093.